The following is an entry in ClinVar:

Conditions:
Breast-ovarian cancer, familial, susceptibility to, 1 (BROVCA1). Also called: BRCA1 Hereditary Breast and Ovarian Cancer; OVARIAN CANCER, SUSCEPTIBILITY TO. Identifiers: Orphanet 145, MedGen C2676676, MONDO:0011450, OMIM 604370. Disease mechanism: loss of function.

Submission:

Brotman Baty Institute, University of Washington
No classification provided (evidence only). Condition: Breast-ovarian cancer, familial 1. Review status: no classification provided. Collection method: in vitro. Allele origin: not applicable. Functional consequence: functionally_abnormal.
ClinVar note: "not provided" was previously submitted as the classification for the variant. However, the classification appeared to be based only on an observation of functional data so it was converted to no classification on 2025-07-30.

NM_007294.4(BRCA1):c.5005G>C (p.Ala1669Pro)

Gene: BRCA1 (BRCA1 DNA repair associated; minus strand). Cytogenetic location: 17q21.31.
Variant type: single nucleotide variant.
Coding change: c.5005G>C on transcript NM_007294.4 (MANE Select); coding-DNA position 5005, G replaced by C.
Protein change: p.Ala1669Pro; replaces alanine 1669 with proline.
Molecular consequence: missense variant. On other transcripts: non-coding transcript variant (1).
Genome position (GRCh38, 1-based): chr17:43,067,677, C>G on the plus strand (G>C on the coding strand, the complement: BRCA1 is on the minus strand). VCF-style: chr17-43067677-C-G. GRCh37 (hg19) VCF-style: chr17-41219694-C-G.
Other names: c.1696G>C, p.Ala566Pro (NM_001407975.1, NM_001407976.1, NM_001407977.1 and 3 more transcripts); c.1693G>C, p.Ala565Pro (NM_001407979.1, NM_001407980.1, NM_001407981.1 and 13 more transcripts); c.1690G>C, p.Ala564Pro (NM_001408397.1, NM_001408398.1, NM_001408399.1 and 8 more transcripts); c.1687G>C, p.Ala563Pro (NM_001408406.1, NM_001408407.1, NM_001408408.1); c.1579G>C, p.Ala527Pro (NM_001408418.1, NM_001408419.1, NM_001408420.1); c.1576G>C, p.Ala526Pro (NM_001408421.1, NM_001408422.1, NM_001408423.1 and 1 more transcripts); c.1573G>C, p.Ala525Pro (NM_001408425.1, NM_001408426.1, NM_001408427.1 and 4 more transcripts); c.1570G>C, p.Ala524Pro (NM_001408437.1, NM_001408438.1, NM_001408439.1 and 10 more transcripts); and 70 more; short protein forms A1622P, A1690P, A1669P, A565P, A1373P, A1556P, A1580P, A1598P.
Identifiers: ClinVar variation 868918 (VCV000868918.3), dbSNP rs80357087, ClinGen allele CA10591509.